The following is an entry in ClinVar:

ClinVar aggregate classification (germline): Likely pathogenic (1 of 4 stars; one submission).

Conditions:
TAOK1-related disorder. Also called: TAOK1-related condition.

Submission:

PreventionGenetics, part of Exact Sciences
Classification: Likely pathogenic for TAOK1-related condition. Last evaluated: 2026-05-04. Review status: criteria provided, single submitter. Criteria: ACMG Guidelines, 2015. Collection method: clinical testing. Allele origin: germline.
Comment: The TAOK1 c.2410C>T variant is predicted to result in premature protein termination (p.Gln804*). To our knowledge, this variant has not been reported in the literature or in a large population database (gnomAD), indicating this variant is rare. Nonsense variants in TAOK1 are expected to be pathogenic. This variant is interpreted as likely pathogenic.

NM_020791.4(TAOK1):c.2410C>T (p.Gln804Ter)

Gene: TAOK1 (TAO kinase 1; plus strand). Cytogenetic location: 17q11.2.
Variant type: single nucleotide variant.
Coding change: c.2410C>T on transcript NM_020791.4 (MANE Select); coding-DNA position 2410, C replaced by T.
Protein change: p.Gln804Ter; replaces glutamine 804 with a stop codon.
Molecular consequence: nonsense.
Genome position (GRCh38, 1-based): chr17:29,534,166, C>T. VCF-style: chr17-29534166-C-T. GRCh37 (hg19) VCF-style: chr17-27861184-C-T.
Other names: c.1966C>T, p.Gln656Ter (NM_025142.1); short protein forms Q804*, Q656*.
Identifiers: ClinVar variation 4996231 (VCV004996231.1).
Genomic context (GRCh38, chr17:29,534,166, plus strand): 5'-TCTCTGTCTCAGCTGCGTTTGGATGAAGCACAGGAAGCAGAGTGCCAGGTTTTGAAGATG[C>T]AGCTGCAGCAGGAACTGGAGCTGTTGAATGCGTATCAGAGCAAAATCAAGATGCAAGCTG-3'